The following is an entry in ClinVar:

NM_006390.4(IPO8):c.2653G>A (p.Glu885Lys)

Gene: IPO8 (importin 8; minus strand). Cytogenetic location: 12p11.21.
Variant type: single nucleotide variant.
Coding change: c.2653G>A on transcript NM_006390.4 (MANE Select); coding-DNA position 2653, G replaced by A.
Protein change: p.Glu885Lys; replaces glutamic acid 885 with lysine.
Molecular consequence: missense variant.
Genome position (GRCh38, 1-based): chr12:30,637,024, C>T on the plus strand (G>A on the coding strand, the complement: IPO8 is on the minus strand). VCF-style: chr12-30637024-C-T. GRCh37 (hg19) VCF-style: chr12-30789958-C-T.
Other names: c.2038G>A, p.Glu680Lys (NM_001190995.2); short protein forms E680K, E885K.
Identifiers: ClinVar variation 3368183 (VCV003368183.1).

ClinVar aggregate classification (germline): Uncertain significance (1 of 4 stars; one submission).

gnomAD v4.1: 3 of 1,614,072 alleles (0.00019%); highest among the groups gnomAD compares: Non-Finnish European, 0.000085%; no homozygotes.

Submission:

GeneDx
Classification: Uncertain significance. Last evaluated: 2024-01-23. Review status: criteria provided, single submitter. Criteria: GeneDx Variant Classification Process June 2021. Collection method: clinical testing. Allele origin: germline. Affected: yes.
Comment: Not observed at significant frequency in large population cohorts (gnomAD); In silico analysis supports that this missense variant does not alter protein structure/function; Has not been previously published as pathogenic or benign to our knowledge